The following is an entry in ClinVar:

NM_170675.5(MEIS2):c.138C>A (p.His46Gln)

Gene: MEIS2 (Meis homeobox 2; minus strand). Cytogenetic location: 15q14.
Variant type: single nucleotide variant.
Coding change: c.138C>A on transcript NM_170675.5 (MANE Select); coding-DNA position 138, C replaced by A.
Protein change: p.His46Gln; replaces histidine 46 with glutamine.
Molecular consequence: missense variant. On other transcripts: 5 prime UTR variant (1), non-coding transcript variant (1).
Genome position (GRCh38, 1-based): chr15:37,098,074, G>T on the plus strand (C>A on the coding strand, the complement: MEIS2 is on the minus strand). VCF-style: chr15-37098074-G-T. GRCh37 (hg19) VCF-style: chr15-37390275-G-T.
Other names: c.138C>A, p.His46Gln (NM_001220482.2, NM_170674.5, NM_170676.5 and 1 more transcripts); c.99C>A, p.His33Gln (NM_002399.4, NM_172315.3); c.-104C>A (NM_172316.3); short protein forms H33Q, H46Q.
Identifiers: ClinVar variation 3376026 (VCV003376026.1).

ClinVar aggregate classification (germline): Uncertain significance (1 of 4 stars; one submission).

Submission:

GeneDx
Classification: Uncertain significance. Last evaluated: 2024-05-01. Review status: criteria provided, single submitter. Criteria: GeneDx Variant Classification Process June 2021. Collection method: clinical testing. Allele origin: germline. Affected: yes.
Comment: In silico analysis supports that this missense variant has a deleterious effect on protein structure/function; Has not been previously published as pathogenic or benign to our knowledge